The following is an entry in ClinVar:

ClinVar aggregate classification (germline): Uncertain significance (1 of 4 stars; one submission).

Conditions:
Hereditary cancer-predisposing syndrome. Also called: Neoplastic Syndromes, Hereditary; Tumor predisposition; Hereditary Cancer Syndrome; Hereditary neoplastic syndrome. Identifiers: Orphanet 140162, MedGen C0027672, MeSH D009386, MONDO:0015356.

Submission:

Ambry Genetics
Classification: Uncertain significance for Hereditary cancer-predisposing syndrome. Last evaluated: 2019-09-18. Review status: criteria provided, single submitter. Criteria: Ambry Variant Classification Scheme 2023. Collection method: clinical testing. Allele origin: germline.
Comment: The p.S701P variant (also known as c.2101T>C), located in coding exon 19 of the TSC2 gene, results from a T to C substitution at nucleotide position 2101. The serine at codon 701 is replaced by proline, an amino acid with similar properties. This amino acid position is poorly conserved in available vertebrate species. In addition, the in silico prediction for this alteration is inconclusive. Since supporting evidence is limited at this time, the clinical significance of this alteration remains unclear.

NM_000548.5(TSC2):c.2101T>C (p.Ser701Pro)

Gene: TSC2 (TSC complex subunit 2; plus strand). Cytogenetic location: 16p13.3.
Variant type: single nucleotide variant.
Coding change: c.2101T>C on transcript NM_000548.5 (MANE Select); coding-DNA position 2101, T replaced by C.
Protein change: p.Ser701Pro; replaces serine 701 with proline.
Molecular consequence: missense variant.
Genome position (GRCh38, 1-based): chr16:2,072,244, T>C. VCF-style: chr16-2072244-T-C. GRCh37 (hg19) VCF-style: chr16-2122245-T-C.
Other names: c.2101T>C, p.Ser701Pro (NM_001077183.3, NM_001114382.3, NM_001363528.2 and 3 more transcripts); c.1990T>C, p.Ser664Pro (NM_001318827.2); c.1954T>C, p.Ser652Pro (NM_001318829.2); c.1501T>C, p.Ser501Pro (NM_001318831.2); c.2134T>C, p.Ser712Pro (NM_001318832.2); short protein forms S701P, S501P, S652P, S664P, S712P.
Identifiers: ClinVar variation 820720 (VCV000820720.4), dbSNP rs1596346996, ClinGen allele CA394274753.